The following is an entry in ClinVar:

ClinVar aggregate classification (germline): Uncertain significance (1 of 4 stars; one submission).

Submission:

GeneDx
Classification: Uncertain significance. Last evaluated: 2024-08-15. Review status: criteria provided, single submitter. Criteria: GeneDx Variant Classification Process June 2021. Collection method: clinical testing. Allele origin: germline. Affected: yes.
Comment: Not observed at significant frequency in large population cohorts (gnomAD); In silico analysis indicates that this missense variant does not alter protein structure/function; Has not been previously published as pathogenic or benign to our knowledge

NM_001130438.3(SPTAN1):c.1543T>A (p.Ser515Thr)

Gene: SPTAN1 (spectrin alpha, non-erythrocytic 1; plus strand). Cytogenetic location: 9q34.11.
Variant type: single nucleotide variant.
Coding change: c.1543T>A on transcript NM_001130438.3 (MANE Select); coding-DNA position 1543, T replaced by A.
Protein change: p.Ser515Thr; replaces serine 515 with threonine.
Molecular consequence: missense variant.
Genome position (GRCh38, 1-based): chr9:128,581,863, T>A. VCF-style: chr9-128581863-T-A. GRCh37 (hg19) VCF-style: chr9-131344142-T-A.
Other names: c.1543T>A, p.Ser515Thr (NM_001195532.2, NM_001363759.2, NM_001363765.2 and 5 more transcripts); c.1579T>A, p.Ser527Thr (NM_001375312.2, NM_001375318.1); short protein forms S527T, S515T.
Identifiers: ClinVar variation 3730862 (VCV003730862.1).